The following is an entry in ClinVar:

ClinVar aggregate classification (germline): Likely benign. Review status: criteria provided, multiple submitters, no conflicts (2 of 4 stars). 3 submissions from 3 submitters: Likely benign (3). Last evaluated 2026-01-28.

Conditions:
Malignant hyperthermia, susceptibility to, 1 (MHS1). Also called: RYR1-Related Malignant Hyperthermia Susceptibility; Anesthesia related hyperthermia; Malignant hyperpyrexia; Fulminating hyperpyrexia; Pharmacogenic myopathy; Malignant hyperthermia suceptibility 1. Identifiers: Orphanet 423, MedGen C2930980, MONDO:0007783, OMIM 145600.
RYR1-related disorder. Also called: RYR1-related disorders; RYR1-related condition. Identifiers: MedGen CN239331.

Submissions (3):

Labcorp Genetics (formerly Invitae), Labcorp
Classification: Likely benign for RYR1-related disorder. Last evaluated: 2026-01-28. Review status: criteria provided, single submitter. Criteria: Invitae Variant Classification Sherloc (09022015). Collection method: clinical testing. Allele origin: germline.

Color Diagnostics, LLC DBA Color Health
Classification: Likely benign for Malignant hyperthermia, susceptibility to, 1. Last evaluated: 2025-06-09. Review status: criteria provided, single submitter. Criteria: ACMG Guidelines, 2015. Collection method: clinical testing. Allele origin: germline.

GeneDx
Classification: Likely benign. Last evaluated: 2018-04-13. Review status: criteria provided, single submitter. Criteria: GeneDx Variant Classification (06012015). Collection method: clinical testing. Allele origin: germline. Affected: yes.
Comment: This variant is considered likely benign or benign based on one or more of the following criteria: it is a conservative change, it occurs at a poorly conserved position in the protein, it is predicted to be benign by multiple in silico algorithms, and/or has population frequency not consistent with disease.

NM_000540.3(RYR1):c.10938-12_10938-11delinsAT

Gene: RYR1 (ryanodine receptor 1; plus strand). Cytogenetic location: 19q13.2.
Variant type: Indel.
Coding change: c.10938-12_10938-11delinsAT on transcript NM_000540.3 (MANE Select); 12 bases into the intron before coding-DNA position 10938 through 11 bases into the intron before coding-DNA position 10938, TC replaced by AT.
Molecular consequence: intron variant.
Genome position (GRCh38, 1-based): chr19:38,528,587-38,528,588, TC replaced by AT. VCF-style: chr19-38528587-TC-AT. GRCh37 (hg19) VCF-style: chr19-39019227-TC-AT.
Other names: c.10938-12_10938-11delTCinsAT (NM_000540.2); c.10923-12_10923-11delinsAT (NM_001042723.2).
Identifiers: ClinVar variation 682013 (VCV000682013.9), dbSNP rs1600935585, ClinGen allele CA915952929.